The following is an entry in ClinVar:

ClinVar aggregate classification (germline): Likely benign. Review status: criteria provided, single submitter (1 of 4 stars). 2 submissions from 2 submitters: Likely benign (1). 1 of the submissions does not count toward it. Last evaluated 2023-08-10.

Conditions:
VPS13B-related disorder. Also called: VPS13B-related condition.
Cohen syndrome (COH1). Also called: Cutis verticis gyrata, retinitis pigmentosa, and sensorineural deafness; PEPPER SYNDROME. Identifiers: Orphanet 193, MedGen C0265223, MONDO:0008999, OMIM 216550.

Allele frequency attached by ClinVar (database versions not stated): TOPMed below 0.00001; gnomAD 0.00001; gnomAD exomes 0.00001.
gnomAD v4.1: 12 of 1,614,192 alleles (0.00074%); highest among the groups gnomAD compares: African/African-American, 0.0013%; no homozygotes.

Submissions (2):

Labcorp Genetics (formerly Invitae), Labcorp
Classification: Likely benign for Cohen syndrome. Last evaluated: 2023-08-10. Review status: criteria provided, single submitter. Criteria: Invitae Variant Classification Sherloc (09022015). Collection method: clinical testing. Allele origin: germline.

PreventionGenetics, part of Exact Sciences
Classification: Likely benign for VPS13B-related condition. Last evaluated: 2022-04-11. Review status: no assertion criteria provided. Collection method: clinical testing. Allele origin: germline. Not counted in ClinVar's aggregate classification.
Comment: This variant is classified as likely benign based on ACMG/AMP sequence variant interpretation guidelines (Richards et al. 2015 PMID: 25741868, with internal and published modifications).

NM_152564.5(VPS13B):c.10023A>G (p.Pro3341=)

Gene: VPS13B (vacuolar protein sorting 13 homolog B; plus strand). Cytogenetic location: 8q22.2.
Variant type: single nucleotide variant.
Coding change: c.10023A>G on transcript NM_152564.5 (MANE Select); coding-DNA position 10023, A replaced by G.
Protein change: p.Pro3341=; no amino-acid change (proline 3341 retained).
Molecular consequence: synonymous variant.
Genome position (GRCh38, 1-based): chr8:99,848,856, A>G. VCF-style: chr8-99848856-A-G. GRCh37 (hg19) VCF-style: chr8-100861084-A-G.
Other names: c.10098A>G, p.Pro3366= (NM_017890.5); c.10023A>G (NM_152564.4).
Identifiers: ClinVar variation 750146 (VCV000750146.11), dbSNP rs767423737, ClinGen allele CA182310725.